The following is an entry in ClinVar:

NM_000334.4(SCN4A):c.4063T>G (p.Phe1355Val)

Genes: GH-LCR (growth hormone locus control region; plus strand), SCN4A (sodium voltage-gated channel alpha subunit 4; minus strand). Cytogenetic location: 17q23.3.
Variant type: single nucleotide variant.
Coding change: c.4063T>G on transcript NM_000334.4 (MANE Select); coding-DNA position 4063, T replaced by G.
Protein change: p.Phe1355Val; replaces phenylalanine 1355 with valine.
Molecular consequence: missense variant.
Genome position (GRCh38, 1-based): chr17:63,943,051, A>C on the plus strand (T>G on the coding strand, the complement: SCN4A is on the minus strand). VCF-style: chr17-63943051-A-C. GRCh37 (hg19) VCF-style: chr17-62020411-A-C.
Other names: short protein forms F1355V.
Identifiers: ClinVar variation 2710892 (VCV002710892.3), dbSNP rs2509287012, ClinGen allele CA400616822.

ClinVar aggregate classification (germline): Uncertain significance (1 of 4 stars; one submission).

Conditions:
Hyperkalemic periodic paralysis. Also called: Familial hyperkalemic periodic paralysis; Gamstorp disease. Identifiers: Orphanet 682, MedGen C0238357, MONDO:0008224, OMIM 170500, HP:0007215.

Submission:

Labcorp Genetics (formerly Invitae), Labcorp
Classification: Uncertain significance for Hyperkalemic periodic paralysis. Last evaluated: 2024-03-21. Review status: criteria provided, single submitter. Criteria: Invitae Variant Classification Sherloc (09022015). Collection method: clinical testing. Allele origin: germline.
Comment: This sequence change replaces phenylalanine, which is neutral and non-polar, with valine, which is neutral and non-polar, at codon 1355 of the SCN4A protein (p.Phe1355Val). This variant is not present in population databases (gnomAD no frequency). This variant has not been reported in the literature in individuals affected with SCN4A-related conditions. Advanced modeling of protein sequence and biophysical properties (such as structural, functional, and spatial information, amino acid conservation, physicochemical variation, residue mobility, and thermodynamic stability) performed at Invitae indicates that this missense variant is expected to disrupt SCN4A protein function with a positive predictive value of 95%. In summary, the available evidence is currently insufficient to determine the role of this variant in disease. Therefore, it has been classified as a Variant of Uncertain Significance.